The following is an entry in ClinVar:

NM_013432.5(TONSL):c.788G>C (p.Arg263Pro)

Gene: TONSL (tonsoku like, DNA repair protein; minus strand). Cytogenetic location: 8q24.3.
Variant type: single nucleotide variant.
Coding change: c.788G>C on transcript NM_013432.5 (MANE Select); coding-DNA position 788, G replaced by C.
Protein change: p.Arg263Pro; replaces arginine 263 with proline.
Molecular consequence: missense variant.
Genome position (GRCh38, 1-based): chr8:144,442,114, C>G on the plus strand (G>C on the coding strand, the complement: TONSL is on the minus strand). VCF-style: chr8-144442114-C-G. GRCh37 (hg19) VCF-style: chr8-145667497-C-G.
Other names: short protein forms R263P.
Identifiers: ClinVar variation 1720615 (VCV001720615.5), dbSNP rs752858789, ClinGen allele CA372675388.

ClinVar aggregate classification (germline): Uncertain significance (1 of 4 stars; one submission).

Submission:

Labcorp Genetics (formerly Invitae), Labcorp
Classification: Uncertain significance. Last evaluated: 2024-04-03. Review status: criteria provided, single submitter. Criteria: Invitae Variant Classification Sherloc (09022015). Collection method: clinical testing. Allele origin: germline.
Comment: This sequence change replaces arginine, which is basic and polar, with proline, which is neutral and non-polar, at codon 263 of the TONSL protein (p.Arg263Pro). This variant is not present in population databases (gnomAD no frequency). This variant has not been reported in the literature in individuals affected with TONSL-related conditions. ClinVar contains an entry for this variant (Variation ID: 1720615). Advanced modeling of protein sequence and biophysical properties (such as structural, functional, and spatial information, amino acid conservation, physicochemical variation, residue mobility, and thermodynamic stability) performed at Invitae indicates that this missense variant is expected to disrupt TONSL protein function with a positive predictive value of 80%. In summary, the available evidence is currently insufficient to determine the role of this variant in disease. Therefore, it has been classified as a Variant of Uncertain Significance.